The following is an entry in ClinVar:

NM_006129.5(BMP1):c.2233+5G>A

Gene: BMP1 (bone morphogenetic protein 1; plus strand). Cytogenetic location: 8p21.3.
Variant type: single nucleotide variant.
Coding change: c.2233+5G>A on transcript NM_006129.5 (MANE Select); 5 bases into the intron after coding-DNA position 2233, G replaced by A.
Molecular consequence: intron variant.
Genome position (GRCh38, 1-based): chr8:22,201,933, G>A. VCF-style: chr8-22201933-G-A. GRCh37 (hg19) VCF-style: chr8-22059446-G-A.
Identifiers: ClinVar variation 1905348 (VCV001905348.2), dbSNP rs778977426, ClinGen allele CA4665160.

ClinVar aggregate classification (germline): Uncertain significance (1 of 4 stars; one submission).

Allele frequency attached by ClinVar (database versions not stated): gnomAD exomes 0.00001; gnomAD 0.00003; ExAC 0.00004.
gnomAD v4.1: 23 of 1,609,450 alleles (0.0014%); highest among the groups gnomAD compares: South Asian, 0.0044%; no homozygotes.

Submission:

Labcorp Genetics (formerly Invitae), Labcorp
Classification: Uncertain significance. Last evaluated: 2022-05-12. Review status: criteria provided, single submitter. Criteria: Invitae Variant Classification Sherloc (09022015). Collection method: clinical testing. Allele origin: germline.
Comment: This sequence change falls in intron 16 of the BMP1 gene. It does not directly change the encoded amino acid sequence of the BMP1 protein. It affects a nucleotide within the consensus splice site. This variant is present in population databases (rs778977426, gnomAD 0.007%). This variant has not been reported in the literature in individuals affected with BMP1-related conditions. Variants that disrupt the consensus splice site are a relatively common cause of aberrant splicing (PMID: 17576681, 9536098). Algorithms developed to predict the effect of sequence changes on RNA splicing suggest that this variant is not likely to affect RNA splicing. In summary, the available evidence is currently insufficient to determine the role of this variant in disease. Therefore, it has been classified as a Variant of Uncertain Significance.

Literature cited by the submitters: PubMed 17576681; PubMed 9536098.